The following is an entry in ClinVar:

NM_001031743.3(CFAP206):c.407G>C (p.Ser136Thr)

Gene: CFAP206 (cilia and flagella associated protein 206; plus strand). Cytogenetic location: 6q15.
Variant type: single nucleotide variant.
Coding change: c.407G>C on transcript NM_001031743.3 (MANE Select); coding-DNA position 407, G replaced by C.
Protein change: p.Ser136Thr; replaces serine 136 with threonine.
Molecular consequence: missense variant.
Genome position (GRCh38, 1-based): chr6:87,415,809, G>C. VCF-style: chr6-87415809-G-C. GRCh37 (hg19) VCF-style: chr6-88125527-G-C.
Other names: short protein forms S136T.
Identifiers: ClinVar variation 3341810 (VCV003341810.16).
Genomic context (GRCh38, chr6:87,415,809, plus strand): 5'-TTACAGATAACAGAGCATGTGCTAAAGAAGAATTGGAAAGCCTCTACCGGAAGATTATCA[G>C]CTATGTGTTACTCCGCTCTGGCCTTGGATCCCCTACAGACATCAAGACTGTCAGAGAGGT-3'
Protein context (NP_001026913.1, residues 126-146): ELESLYRKII[Ser136Thr]YVLLRSGLGS

ClinVar aggregate classification (germline): Uncertain significance (1 of 4 stars; one submission).

Submission:

CeGaT Center for Human Genetics Tuebingen
Classification: Uncertain significance. Last evaluated: 2024-07-01. Review status: criteria provided, single submitter. Criteria: CeGaT Center For Human Genetics Tuebingen Variant Classification Criteria Version 2. Collection method: clinical testing. Allele origin: germline. Affected: yes. Observed: 1 variant allele.
Comment: CFAP206: PM2, BP4